The following is an entry in ClinVar:

ClinVar aggregate classification (germline): Likely benign. Review status: criteria provided, multiple submitters, no conflicts (2 of 4 stars). 3 submissions from 3 submitters: Likely benign (3). Last evaluated 2026-02-01.

Allele frequency attached by ClinVar (database versions not stated): ExAC 0.00033.

Submissions (3):

CeGaT Center for Human Genetics Tuebingen
Classification: Likely benign. Last evaluated: 2026-02-01. Review status: criteria provided, single submitter. Criteria: CeGaT Center For Human Genetics Tuebingen Variant Classification Criteria Version 2. Collection method: clinical testing. Allele origin: germline. Affected: yes. Observed: 2 variant alleles.
Comment: CIC: BP4

Blueprint Genetics
Classification: Likely benign. Last evaluated: 2024-11-15. Review status: criteria provided, single submitter. Criteria: ACMG Guidelines, 2015. Collection method: clinical testing. Allele origin: germline.

Genetic Services Laboratory, University of Chicago
Classification: Likely benign. Last evaluated: 2020-08-31. Review status: criteria provided, single submitter. Criteria: ACMG Guidelines, 2015. Collection method: clinical testing. Allele origin: germline. Affected: no.
Comment: DNA sequence analysis of the CIC gene demonstrated a sequence change, c.4790C>A, in exon 20 that results in an amino acid change, p.Pro1597Gln. This sequence change does not appear to have been previously described in patients with CIC-related disorders and has been described in the gnomAD database with a low population frequency of 0.0073% (dbSNP rs747297469). The p.Pro1597Gln change affects a moderately conserved amino acid residue located in a domain of the CIC protein that is not known to be functional. In-silico pathogenicity prediction tools (SIFT, PolyPhen2, Align GVGD, REVEL) provide contradictory results for the p.Pro1597Gln substitution. Due to these contrasting evidences and the lack of functional studies, the clinical significance of the p.Pro1597Gln change remains unknown at this time.

NM_001386298.1(CIC):c.7517C>A (p.Pro2506Gln)

Gene: CIC (capicua transcriptional repressor; plus strand). Cytogenetic location: 19q13.2.
Variant type: single nucleotide variant.
Coding change: c.7517C>A on transcript NM_001386298.1 (MANE Select); coding-DNA position 7517, C replaced by A.
Protein change: p.Pro2506Gln; replaces proline 2506 with glutamine.
Molecular consequence: missense variant.
Genome position (GRCh38, 1-based): chr19:42,295,154, C>A. VCF-style: chr19-42295154-C-A. GRCh37 (hg19) VCF-style: chr19-42799306-C-A.
Other names: c.7517C>A, p.Pro2506Gln (NM_001304815.2); c.7514C>A, p.Pro2505Gln (NM_001379480.1, NM_001379482.1); c.4784C>A, p.Pro1595Gln (NM_001379484.1); c.4781C>A, p.Pro1594Gln (NM_001379485.1); c.4790C>A, p.Pro1597Gln (NM_015125.5); short protein forms P1594Q, P1595Q, P1597Q, P2505Q, P2506Q.
Identifiers: ClinVar variation 1176081 (VCV001176081.40), dbSNP rs747297469, ClinGen allele CA9473020.